The following is an entry in ClinVar:

NM_000891.3(KCNJ2):c.1244C>T (p.Pro415Leu)

Gene: KCNJ2 (potassium inwardly rectifying channel subfamily J member 2; plus strand). Cytogenetic location: 17q24.3.
Variant type: single nucleotide variant.
Coding change: c.1244C>T on transcript NM_000891.3 (MANE Select); coding-DNA position 1244, C replaced by T.
Protein change: p.Pro415Leu; replaces proline 415 with leucine.
Molecular consequence: missense variant.
Genome position (GRCh38, 1-based): chr17:70,176,283, C>T. VCF-style: chr17-70176283-C-T. GRCh37 (hg19) VCF-style: chr17-68172424-C-T.
Other names: p.P415L:CCT>CTT; short protein forms P415L.
Identifiers: ClinVar variation 190819 (VCV000190819.55), dbSNP rs373799322, ClinGen allele CA302064.

ClinVar aggregate classification (germline): Conflicting classifications of pathogenicity. Review status: criteria provided, conflicting classifications (1 of 4 stars). 7 submissions from 7 submitters: Uncertain significance (6); Benign (1). Last evaluated 2025-11-25.

Conditions:
Cardiovascular phenotype. Identifiers: MedGen CN230736.
Short QT syndrome type 3. Identifiers: Orphanet 51083, MedGen C1865018, MONDO:0012314, OMIM 609622.
Andersen Tawil syndrome (LQT7). Also called: LONG QT SYNDROME 7; Andersen Syndrome; Potassium-sensitive periodic paralysis, ventricular ectopy, and dysmorphic features; PERIODIC PARALYSIS, POTASSIUM-SENSITIVE CARDIODYSRHYTHMIC TYPE; ANDERSEN CARDIODYSRHYTHMIC PERIODIC PARALYSIS. Identifiers: Orphanet 37553, MedGen C1563715, MONDO:0008222, OMIM 170390.
Atrial fibrillation, familial, 9 (ATFB9). Identifiers: MedGen C3151431, MONDO:0013513, OMIM 613980.

Allele frequency attached by ClinVar (database versions not stated): TOPMed 0.00011; gnomAD 0.00013; ESP Exome Variant Server 0.00023.
gnomAD v4.1: 191 of 1,613,878 alleles (0.012%); highest among the groups gnomAD compares: Middle Eastern, 0.016%; no homozygotes.

Submissions (7):

Labcorp Genetics (formerly Invitae), Labcorp
Classification: Uncertain significance for Short QT syndrome type 3; Andersen Tawil syndrome. Last evaluated: 2025-11-25. Review status: criteria provided, single submitter. Criteria: Invitae Variant Classification Sherloc (09022015). Collection method: clinical testing. Allele origin: germline.
Comment: This sequence change replaces proline, which is neutral and non-polar, with leucine, which is neutral and non-polar, at codon 415 of the KCNJ2 protein (p.Pro415Leu). This variant is present in population databases (rs373799322, gnomAD 0.01%). This missense change has been observed in individual(s) with premature ventricular complexes and ventricular tachycardia (PMID: 23644778). ClinVar contains an entry for this variant (Variation ID: 190819). Invitae Evidence Modeling of protein sequence and biophysical properties (such as structural, functional, and spatial information, amino acid conservation, physicochemical variation, residue mobility, and thermodynamic stability) indicates that this missense variant is expected to disrupt KCNJ2 protein function with a positive predictive value of 95%. In summary, the available evidence is currently insufficient to determine the role of this variant in disease. Therefore, it has been classified as a Variant of Uncertain Significance.

Mayo Clinic Laboratories, Mayo Clinic
Classification: Uncertain significance. Last evaluated: 2025-07-31. Review status: criteria provided, single submitter. Criteria: ACMG Guidelines, 2015. Collection method: clinical testing. Allele origin: germline. Observed: 1 variant allele.

GeneDx
Classification: Uncertain significance. Last evaluated: 2024-11-08. Review status: criteria provided, single submitter. Criteria: GeneDx Variant Classification Process June 2021. Collection method: clinical testing. Allele origin: germline. Affected: yes.
Comment: Identified as a variant of uncertain significance in an individual with arrhythmia (PMID: 23644778); In silico analysis supports that this missense variant has a deleterious effect on protein structure/function; This variant is associated with the following publications: (PMID: Kanika2016, 23644778)

Ambry Genetics
Classification: Benign for Cardiovascular phenotype. Last evaluated: 2023-01-20. Review status: criteria provided, single submitter. Criteria: Ambry Variant Classification Scheme 2023. Collection method: clinical testing. Allele origin: germline.

CeGaT Center for Human Genetics Tuebingen
Classification: Uncertain significance. Last evaluated: 2021-11-01. Review status: criteria provided, single submitter. Criteria: CeGaT Center For Human Genetics Tuebingen Variant Classification Criteria Version 2. Collection method: clinical testing. Allele origin: germline. Affected: yes. Observed: 1 variant allele.

Fulgent Genetics
Classification: Uncertain significance for Andersen Tawil syndrome; Short QT syndrome type 3; Atrial fibrillation, familial, 9. Last evaluated: 2021-08-12. Review status: criteria provided, single submitter. Criteria: ACMG Guidelines, 2015. Collection method: clinical testing. Allele origin: unknown.

ARUP Laboratories, Molecular Genetics and Genomics, ARUP Laboratories
Classification: Uncertain significance. Last evaluated: 2017-08-18. Review status: criteria provided, single submitter. Criteria: ARUP Molecular Germline Variant Investigation Process. Collection method: clinical testing. Allele origin: germline.
Comment: The p.Pro415Leu variant (rs373799322) has been previously identified in a single individual in a cohort of patients with long-QT syndrome (Limberg 2013); however, inheritance and specific clinical information were not reported for this individual. The p.Pro415Leu variant is listed in the Genome Aggregation Database (gnomAD) browser with an allele frequency of 0.014% in non-Finnish Europeans (identified in 18 out of 126,430 chromosomes) and is listed in the ClinVar database as a variant of uncertain significance (Variation ID: 190819). The proline at codon 415 is highly conserved considering 14 species up to frog (Alamut software v2.9). Computational analyses predict conflicting effects of the p.Pro415Leu variant on KCNJ2 protein structure/function (SIFT: damaging, PolyPhen2: benign, MutationTaster: disease causing). Therefore, based on the available information, the clinical significance of the p.Pro415Leu variant cannot be determined with certainty.

Literature cited by the submitters: PubMed 23644778 (cited by Labcorp Genetics (formerly Invitae), Labcorp and Mayo Clinic Laboratories, Mayo Clinic).